The following is an entry in ClinVar:

ClinVar aggregate classification (germline): Uncertain significance (1 of 4 stars; one submission).

Allele frequency attached by ClinVar (database versions not stated): gnomAD 0.00001; gnomAD exomes 0.00001.
gnomAD v4.1: 9 of 1,613,908 alleles (0.00056%); highest among the groups gnomAD compares: Middle Eastern, 0.017%; no homozygotes.

Submission:

Labcorp Genetics (formerly Invitae), Labcorp
Classification: Uncertain significance. Last evaluated: 2022-02-22. Review status: criteria provided, single submitter. Criteria: Invitae Variant Classification Sherloc (09022015). Collection method: clinical testing. Allele origin: germline.
Comment: This variant has not been reported in the literature in individuals affected with IMPG2-related conditions. Algorithms developed to predict the effect of missense changes on protein structure and function are either unavailable or do not agree on the potential impact of this missense change (SIFT: "Tolerated"; PolyPhen-2: "Possibly Damaging"; Align-GVGD: "Class C0"). In summary, the available evidence is currently insufficient to determine the role of this variant in disease. Therefore, it has been classified as a Variant of Uncertain Significance. This sequence change replaces asparagine, which is neutral and polar, with serine, which is neutral and polar, at codon 1160 of the IMPG2 protein (p.Asn1160Ser). This variant is not present in population databases (gnomAD no frequency).

NM_016247.4(IMPG2):c.3479A>G (p.Asn1160Ser)

Gene: IMPG2 (interphotoreceptor matrix proteoglycan 2; minus strand). Cytogenetic location: 3q12.3.
Variant type: single nucleotide variant.
Coding change: c.3479A>G on transcript NM_016247.4 (MANE Select); coding-DNA position 3479, A replaced by G.
Protein change: p.Asn1160Ser; replaces asparagine 1160 with serine.
Molecular consequence: missense variant.
Genome position (GRCh38, 1-based): chr3:101,229,534, T>C on the plus strand (A>G on the coding strand, the complement: IMPG2 is on the minus strand). VCF-style: chr3-101229534-T-C. GRCh37 (hg19) VCF-style: chr3-100948378-T-C.
Other names: short protein forms N1160S.
Identifiers: ClinVar variation 1967618 (VCV001967618.5), dbSNP rs2107204097, ClinGen allele CA353847869.